The following is an entry in ClinVar:

NM_018136.5(ASPM):c.7397C>A (p.Ser2466Ter)

Gene: ASPM (assembly factor for spindle microtubules; minus strand). Cytogenetic location: 1q31.3.
Variant type: single nucleotide variant.
Coding change: c.7397C>A on transcript NM_018136.5 (MANE Select); coding-DNA position 7397, C replaced by A.
Protein change: p.Ser2466Ter; replaces serine 2466 with a stop codon.
Molecular consequence: nonsense. On other transcripts: intron variant (1).
Genome position (GRCh38, 1-based): chr1:197,101,854, G>T on the plus strand (C>A on the coding strand, the complement: ASPM is on the minus strand). VCF-style: chr1-197101854-G-T. GRCh37 (hg19) VCF-style: chr1-197070984-G-T.
Other names: c.4066-5690C>A (NM_001206846.2); short protein forms S2466*.
Identifiers: ClinVar variation 1898267 (VCV001898267.5), dbSNP rs967833178, ClinGen allele CA35870756.
Genomic context (GRCh38, chr1:197,101,854, plus strand): 5'-AGAACTGCAGCCCTTTGCATTTCTTGTAACTTCTTCTTTACCATCAGTCTTCTGTAAGAT[G>T]ACTGTATTGTAATGGCTGCCTTTCTTAAGTGCAAGAATTGGTACAATTTATGTTTGGCAC-3'

ClinVar aggregate classification (germline): Pathogenic (1 of 4 stars; one submission).

Allele frequency attached by ClinVar (database versions not stated): gnomAD 0.00001; gnomAD exomes 0.00001; TOPMed 0.00002.

Submission:

Labcorp Genetics (formerly Invitae), Labcorp
Classification: Pathogenic. Last evaluated: 2022-06-14. Review status: criteria provided, single submitter. Criteria: Invitae Variant Classification Sherloc (09022015). Collection method: clinical testing. Allele origin: germline.
Comment: This sequence change creates a premature translational stop signal (p.Ser2466*) in the ASPM gene. It is expected to result in an absent or disrupted protein product. Loss-of-function variants in ASPM are known to be pathogenic (PMID: 19028728, 23611254). This variant is present in population databases (no rsID available, gnomAD 0.007%). This variant has not been reported in the literature in individuals affected with ASPM-related conditions. For these reasons, this variant has been classified as Pathogenic.

Literature cited by the submitters: PubMed 19028728; PubMed 23611254.